The following is an entry in ClinVar:

NM_004304.5(ALK):c.2815+1G>A

Gene: ALK (ALK receptor tyrosine kinase; minus strand). Cytogenetic location: 2p23.2.
Variant type: single nucleotide variant.
Coding change: c.2815+1G>A on transcript NM_004304.5 (MANE Select); the canonical splice donor site of the intron after coding-DNA position 2815, G replaced by A.
Molecular consequence: splice donor variant.
Genome position (GRCh38, 1-based): chr2:29,228,883, C>T on the plus strand (G>A on the coding strand, the complement: ALK is on the minus strand). VCF-style: chr2-29228883-C-T. GRCh37 (hg19) VCF-style: chr2-29451749-C-T.
Identifiers: ClinVar variation 4272094 (VCV004272094.1).

ClinVar aggregate classification (germline): Uncertain significance (1 of 4 stars; one submission).

Conditions:
Hereditary cancer-predisposing syndrome. Also called: Hereditary Cancer Syndrome; Hereditary neoplastic syndrome; Neoplastic Syndromes, Hereditary; Tumor predisposition. Identifiers: Orphanet 140162, MedGen C0027672, MeSH D009386, MONDO:0015356.

Submission:

Ambry Genetics
Classification: Uncertain significance for Hereditary cancer-predisposing syndrome. Last evaluated: 2025-06-23. Review status: criteria provided, single submitter. Criteria: Ambry Variant Classification Scheme 2023. Collection method: clinical testing. Allele origin: germline.
Comment: The c.2815+1G>A intronic variant results from a G to A substitution one nucleotide after coding exon 16 of the ALK gene. Alterations that disrupt the canonical splice site are expected to result in aberrant splicing. In silico splice site analysis predicts that this alteration may weaken the native splice donor site. A resulting transcript is predicted to be in-frame and is not expected to trigger nonsense-mediated mRNAdecay; although, direct evidence is unavailable. This nucleotide position is highly conserved in available vertebrate species. Based on the available evidence, the clinical significance of this variant remains unclear.